The following is an entry in ClinVar:

ClinVar aggregate classification (germline): Likely benign. Review status: criteria provided, multiple submitters, no conflicts (2 of 4 stars). 3 submissions from 3 submitters: Likely benign (3). Last evaluated 2025-05-22.

Conditions:
DNMT1-related disorder. Also called: DNMT1-related condition. Identifiers: MedGen CN381527.
Hereditary sensory neuropathy-deafness-dementia syndrome. Also called: Hereditary Sensory and Autonomic Neuropathy Type 1E (HSAN1E); HSN IE; Hereditary sensory neuropathy type IE; NEUROPATHY, HEREDITARY SENSORY, WITH HEARING LOSS AND DEMENTIA. Identifiers: Orphanet 456318, MedGen C3279885, MONDO:0013584, OMIM 614116.

Allele frequency attached by ClinVar (database versions not stated): ExAC 0.00001; gnomAD exomes 0.00001 and 0.00002; gnomAD 0.00002; TOPMed 0.00002.
gnomAD v4.1: 35 of 1,614,140 alleles (0.0022%); highest among the groups gnomAD compares: South Asian, 0.0033%; no homozygotes.

Submissions (3):

PreventionGenetics, part of Exact Sciences
Classification: Likely benign for DNMT1-related condition. Last evaluated: 2025-05-22. Review status: criteria provided, single submitter. Criteria: ACMG Guidelines, 2015. Collection method: clinical testing. Allele origin: germline.
Comment: This variant is classified as likely benign based on ACMG/AMP sequence variant interpretation guidelines (Richards et al. 2015 PMID: 25741868, with internal and published modifications).

Labcorp Genetics (formerly Invitae), Labcorp
Classification: Likely benign for Hereditary sensory neuropathy-deafness-dementia syndrome. Last evaluated: 2025-03-05. Review status: criteria provided, single submitter. Criteria: Invitae Variant Classification Sherloc (09022015). Collection method: clinical testing. Allele origin: germline.

GeneDx
Classification: Likely benign. Last evaluated: 2016-08-08. Review status: criteria provided, single submitter. Criteria: GeneDx Variant Classification (06012015). Collection method: clinical testing. Allele origin: germline. Affected: yes.
Comment: This variant is considered likely benign or benign based on one or more of the following criteria: it is a conservative change, it occurs at a poorly conserved position in the protein, it is predicted to be benign by multiple in silico algorithms, and/or has population frequency not consistent with disease.

NM_001130823.3(DNMT1):c.1707C>T (p.His569=)

Gene: DNMT1 (DNA methyltransferase 1; minus strand). Cytogenetic location: 19p13.2.
Variant type: single nucleotide variant.
Coding change: c.1707C>T on transcript NM_001130823.3 (MANE Select); coding-DNA position 1707, C replaced by T.
Protein change: p.His569=; no amino-acid change (histidine 569 retained).
Molecular consequence: synonymous variant.
Genome position (GRCh38, 1-based): chr19:10,154,711, G>A on the plus strand (C>T on the coding strand, the complement: DNMT1 is on the minus strand). VCF-style: chr19-10154711-G-A. GRCh37 (hg19) VCF-style: chr19-10265387-G-A.
Other names: c.1659C>T, p.His553= (NM_001318730.2, NM_001379.4); c.1344C>T, p.His448= (NM_001318731.2); c.1707C>T (LRG_362t1, NM_001130823.2).
Identifiers: ClinVar variation 388367 (VCV000388367.6), dbSNP rs777372271, ClinGen allele CA9188239.